The following is an entry in ClinVar:

NM_212550.5(BLOC1S3):c.563G>T (p.Gly188Val)

Gene: BLOC1S3 (biogenesis of lysosomal organelles complex 1 subunit 3; plus strand). Cytogenetic location: 19q13.32.
Variant type: single nucleotide variant.
Coding change: c.563G>T on transcript NM_212550.5 (MANE Select); coding-DNA position 563, G replaced by T.
Protein change: p.Gly188Val; replaces glycine 188 with valine.
Molecular consequence: missense variant.
Genome position (GRCh38, 1-based): chr19:45,179,859, G>T. VCF-style: chr19-45179859-G-T. GRCh37 (hg19) VCF-style: chr19-45683117-G-T.
Other names: c.563G>T (NM_212550.3); short protein forms G188V.
Identifiers: ClinVar variation 1438928 (VCV001438928.8), dbSNP rs1285232381, ClinGen allele CA406345057.

ClinVar aggregate classification (germline): Uncertain significance. Review status: criteria provided, multiple submitters, no conflicts (2 of 4 stars). 3 submissions from 3 submitters: Uncertain significance (3). Last evaluated 2024-12-31.

Conditions:
Inborn genetic diseases. Identifiers: MedGen C0950123, MeSH D030342.

Allele frequency attached by ClinVar (database versions not stated): TOPMed 0.00002; gnomAD exomes below 0.00001; gnomAD 0.00003.
gnomAD v4.1: 10 of 1,609,572 alleles (0.00062%); highest among the groups gnomAD compares: African/African-American, 0.0094%; no homozygotes.

Submissions (3):

Ambry Genetics
Classification: Uncertain significance for Inborn genetic diseases. Last evaluated: 2024-12-31. Review status: criteria provided, single submitter. Criteria: Ambry Variant Classification Scheme 2023. Collection method: clinical testing. Allele origin: germline.

Women's Health and Genetics/Laboratory Corporation of America, LabCorp
Classification: Uncertain significance. Last evaluated: 2024-04-05. Review status: criteria provided, single submitter. Criteria: LabCorp Variant Classification Summary - May 2015. Collection method: clinical testing. Allele origin: germline.
Comment: Variant summary: BLOC1S3 c.563G>T (p.Gly188Val) results in a non-conservative amino acid change in the encoded protein sequence. Three of five in-silico tools predict a damaging effect of the variant on protein function. The variant allele was found at a frequency of 4.2e-06 in 237018 control chromosomes (gnomAD). The available data on variant occurrences in the general population are insufficient to allow any conclusion about variant significance. To our knowledge, no occurrence of c.563G>T in individuals affected with Hermansky-Pudlak Syndrome and no experimental evidence demonstrating its impact on protein function have been reported. ClinVar contains an entry for this variant (Variation ID: 1438928). Based on the evidence outlined above, the variant was classified as uncertain significance.

Labcorp Genetics (formerly Invitae), Labcorp
Classification: Uncertain significance. Last evaluated: 2021-09-01. Review status: criteria provided, single submitter. Criteria: Invitae Variant Classification Sherloc (09022015). Collection method: clinical testing. Allele origin: germline.
Comment: This sequence change replaces glycine with valine at codon 188 of the BLOC1S3 protein (p.Gly188Val). The glycine residue is moderately conserved and there is a moderate physicochemical difference between glycine and valine. This variant is not present in population databases (ExAC no frequency). This variant has not been reported in the literature in individuals affected with BLOC1S3-related conditions. Algorithms developed to predict the effect of missense changes on protein structure and function are either unavailable or do not agree on the potential impact of this missense change (SIFT: "Tolerated"; PolyPhen-2: "Possibly Damaging"; Align-GVGD: "Class C0"). In summary, the available evidence is currently insufficient to determine the role of this variant in disease. Therefore, it has been classified as a Variant of Uncertain Significance.